The following is an entry in ClinVar:

ClinVar aggregate classification (germline): Likely pathogenic (1 of 4 stars; one submission).

Submission:

Labcorp Genetics (formerly Invitae), Labcorp
Classification: Likely pathogenic. Last evaluated: 2022-08-08. Review status: criteria provided, single submitter. Criteria: Invitae Variant Classification Sherloc (09022015). Collection method: clinical testing. Allele origin: germline.
Comment: This sequence change affects a donor splice site in intron 8 of the TSEN54 gene. It is expected to disrupt RNA splicing. Variants that disrupt the donor or acceptor splice site typically lead to a loss of protein function (PMID: 16199547), and loss-of-function variants in TSEN54 are known to be pathogenic (PMID: 18711368, 20952379). In summary, the currently available evidence indicates that the variant is pathogenic, but additional data are needed to prove that conclusively. Therefore, this variant has been classified as Likely Pathogenic. Algorithms developed to predict the effect of sequence changes on RNA splicing suggest that this variant may disrupt the consensus splice site. This variant has not been reported in the literature in individuals affected with TSEN54-related conditions. This variant is not present in population databases (gnomAD no frequency).

Literature cited by the submitters: PubMed 16199547; PubMed 18711368; PubMed 20952379.

NM_207346.3(TSEN54):c.1252+1G>A

Gene: TSEN54 (tRNA splicing endonuclease subunit 54; plus strand). Cytogenetic location: 17q25.1.
Variant type: single nucleotide variant.
Coding change: c.1252+1G>A on transcript NM_207346.3 (MANE Select); the canonical splice donor site of the intron after coding-DNA position 1252, G replaced by A.
Molecular consequence: splice donor variant.
Genome position (GRCh38, 1-based): chr17:75,522,334, G>A. VCF-style: chr17-75522334-G-A. GRCh37 (hg19) VCF-style: chr17-73518415-G-A.
Identifiers: ClinVar variation 2022933 (VCV002022933.4), dbSNP rs2147013931, ClinGen allele CA401030198.